The following is an entry in ClinVar:

ClinVar aggregate classification (germline): Likely benign (1 of 4 stars; one submission).

Submission:

CeGaT Center for Human Genetics Tuebingen
Classification: Likely benign. Last evaluated: 2024-09-01. Review status: criteria provided, single submitter. Criteria: CeGaT Center For Human Genetics Tuebingen Variant Classification Criteria Version 2. Collection method: clinical testing. Allele origin: germline. Affected: yes. Observed: 1 variant allele.
Comment: AKR1C1: BP4, BP7

NM_001353.6(AKR1C1):c.279G>A (p.Glu93=)

Gene: AKR1C1 (aldo-keto reductase family 1 member C1; plus strand). Cytogenetic location: 10p15.1.
Variant type: single nucleotide variant.
Coding change: c.279G>A on transcript NM_001353.6 (MANE Select); coding-DNA position 279, G replaced by A.
Protein change: p.Glu93=; no amino-acid change (glutamic acid 93 retained).
Molecular consequence: synonymous variant.
Genome position (GRCh38, 1-based): chr10:4,966,953, G>A. VCF-style: chr10-4966953-G-A. GRCh37 (hg19) VCF-style: chr10-5009145-G-A.
Identifiers: ClinVar variation 3388959 (VCV003388959.14).
Genomic context (GRCh38, chr10:4,966,953, plus strand): 5'-TCATTACACAACTTCCTTTCTCTAACCTCTGCAGCTTTGGTGCAATTCCCATCGACCAGA[G>A]TTGGTCCGACCAGCCTTGGAAAGGTCACTGAAAAATCTTCAATTGGATTATGTTGACCTC-3'
Protein context (NP_001344.2, residues 83-103): SKLWCNSHRP[Glu93=]LVRPALERSL